The following is an entry in ClinVar:

ClinVar aggregate classification (germline): Likely benign (1 of 4 stars; one submission).

Allele frequency attached by ClinVar (database versions not stated): gnomAD exomes below 0.00001; ExAC 0.00001.
gnomAD v4.1: 1 of 1,614,188 alleles (0.000062%); highest among the groups gnomAD compares: South Asian, 0.0011%; no homozygotes.

Submission:

CeGaT Center for Human Genetics Tuebingen
Classification: Likely benign. Last evaluated: 2023-10-01. Review status: criteria provided, single submitter. Criteria: CeGaT Center For Human Genetics Tuebingen Variant Classification Criteria Version 2. Collection method: clinical testing. Allele origin: germline. Affected: yes. Observed: 1 variant allele.
Comment: AHNAK: BP4, BP7

NM_001620.3(AHNAK):c.621A>G (p.Arg207=)

Gene: AHNAK (AHNAK nucleoprotein; minus strand). Cytogenetic location: 11q12.3.
Variant type: single nucleotide variant.
Coding change: c.621A>G on transcript NM_001620.3 (MANE Select); coding-DNA position 621, A replaced by G.
Protein change: p.Arg207=; no amino-acid change (arginine 207 retained).
Molecular consequence: synonymous variant. On other transcripts: intron variant (1).
Genome position (GRCh38, 1-based): chr11:62,533,796, T>C on the plus strand (A>G on the coding strand, the complement: AHNAK is on the minus strand). VCF-style: chr11-62533796-T-C. GRCh37 (hg19) VCF-style: chr11-62301268-T-C.
Other names: c.621A>G, p.Arg207= (NM_001346445.2, NM_001346446.2); c.342+1207A>G (NM_024060.4).
Identifiers: ClinVar variation 2641879 (VCV002641879.24), dbSNP rs768394185, ClinGen allele CA6046847.